The following is an entry in ClinVar:

ClinVar aggregate classification (germline): Uncertain significance (1 of 4 stars; one submission).

Conditions:
Spastic paraplegia. Identifiers: MedGen C0037772, HP:0001258.

Submission:

Labcorp Genetics (formerly Invitae), Labcorp
Classification: Uncertain significance for Spastic paraplegia. Last evaluated: 2024-02-06. Review status: criteria provided, single submitter. Criteria: Invitae Variant Classification Sherloc (09022015). Collection method: clinical testing. Allele origin: germline.
Comment: This sequence change falls in intron 24 of the L1CAM gene. It does not directly change the encoded amino acid sequence of the L1CAM protein. It affects a nucleotide within the consensus splice site. This variant is not present in population databases (gnomAD no frequency). This variant has not been reported in the literature in individuals affected with L1CAM-related conditions. Variants that disrupt the consensus splice site are a relatively common cause of aberrant splicing (PMID: 17576681, 9536098). Algorithms developed to predict the effect of sequence changes on RNA splicing suggest that this variant is not likely to affect RNA splicing. In summary, the available evidence is currently insufficient to determine the role of this variant in disease. Therefore, it has been classified as a Variant of Uncertain Significance.

Literature cited by the submitters: PubMed 17576681; PubMed 9536098.

NM_001278116.2(L1CAM):c.3322+6G>C

Gene: L1CAM (L1 cell adhesion molecule; minus strand). Cytogenetic location: Xq28.
Variant type: single nucleotide variant.
Coding change: c.3322+6G>C on transcript NM_001278116.2 (MANE Select); 6 bases into the intron after coding-DNA position 3322, G replaced by C.
Molecular consequence: intron variant.
Genome position (GRCh38, 1-based): chrX:153,864,316, C>G on the plus strand (G>C on the coding strand, the complement: L1CAM is on the minus strand). VCF-style: chrX-153864316-C-G. GRCh37 (hg19) VCF-style: chrX-153129771-C-G.
Other names: c.3307+6G>C (NM_001143963.2); c.3322+6G>C (NM_024003.3, NM_000425.5).
Identifiers: ClinVar variation 3691835 (VCV003691835.2).